The following is an entry in ClinVar:

ClinVar aggregate classification (germline): Uncertain significance (1 of 4 stars; one submission).

Conditions:
Epidermolysis bullosa simplex with nail dystrophy (EBS5D). Identifiers: MedGen C4225309, MONDO:0014661, OMIM 616487.
Epidermolysis bullosa simplex, Ogna type (EBS5A). Also called: Pidermolysis bullosa simplex 5A, Ogna type; EPIDERMOLYSIS BULLOSA SIMPLEX 5A, OGNA TYPE. Identifiers: Orphanet 79401, MedGen C0432317, MONDO:0007555, OMIM 131950.
Autosomal recessive limb-girdle muscular dystrophy type 2Q (LGMDR17). Also called: MUSCULAR DYSTROPHY, LIMB-GIRDLE, AUTOSOMAL RECESSIVE 17. Identifiers: Orphanet 254361, MedGen C3150989, MONDO:0013390, OMIM 613723.
Epidermolysis bullosa simplex 5B, with muscular dystrophy (EBS5B). Also called: EPIDERMOLYSIS BULLOSA SIMPLEX AND LIMB-GIRDLE MUSCULAR DYSTROPHY; Epidermolysis bullosa simplex with muscular dystrophy. Identifiers: Orphanet 257, MedGen C2931072, MONDO:0009181, OMIM 226670.
Epidermolysis bullosa simplex 5C, with pyloric atresia (EBS5C). Also called: PLEC-Related Epidermolysis Bullosa with Pyloric Atresia; Epidermolysis bullosa simplex with pyloric atresia; PLEC1-Related Epidermolysis Bullosa with Pyloric Atresia. Identifiers: Orphanet 158684, MedGen C2677349, MONDO:0012807, OMIM 612138.

gnomAD v4.1: 7 of 1,602,814 alleles (0.00044%); highest among the groups gnomAD compares: Non-Finnish European, 0.00059%; no homozygotes.

Submission:

Labcorp Genetics (formerly Invitae), Labcorp
Classification: Uncertain significance for Autosomal recessive limb-girdle muscular dystrophy type 2Q; Epidermolysis bullosa simplex, Ogna type; Epidermolysis bullosa simplex with nail dystrophy; Epidermolysis bullosa simplex 5C, with pyloric atresia; Epidermolysis bullosa simplex 5B, with muscular dystrophy. Last evaluated: 2024-02-17. Review status: criteria provided, single submitter. Criteria: Invitae Variant Classification Sherloc (09022015). Collection method: clinical testing. Allele origin: germline.
Comment: This sequence change replaces lysine, which is basic and polar, with asparagine, which is neutral and polar, at codon 1076 of the PLEC protein (p.Lys1076Asn). This variant is present in population databases (no rsID available, gnomAD 0.002%). This variant has not been reported in the literature in individuals affected with PLEC-related conditions. Advanced modeling of protein sequence and biophysical properties (such as structural, functional, and spatial information, amino acid conservation, physicochemical variation, residue mobility, and thermodynamic stability) performed at Invitae indicates that this missense variant is not expected to disrupt PLEC protein function with a negative predictive value of 80%. In summary, the available evidence is currently insufficient to determine the role of this variant in disease. Therefore, it has been classified as a Variant of Uncertain Significance.

NM_201384.3(PLEC):c.3147G>C (p.Lys1049Asn)

Gene: PLEC (plectin; minus strand). Cytogenetic location: 8q24.3.
Variant type: single nucleotide variant.
Coding change: c.3147G>C on transcript NM_201384.3 (MANE Select); coding-DNA position 3147, G replaced by C.
Protein change: p.Lys1049Asn; replaces lysine 1049 with asparagine.
Molecular consequence: missense variant.
Genome position (GRCh38, 1-based): chr8:143,929,216, C>G on the plus strand (G>C on the coding strand, the complement: PLEC is on the minus strand). VCF-style: chr8-143929216-C-G. GRCh37 (hg19) VCF-style: chr8-145003384-C-G.
Other names: c.3228G>C, p.Lys1076Asn (NM_000445.5, NM_001410941.1); c.3105G>C, p.Lys1035Asn (NM_201378.4); c.3081G>C, p.Lys1027Asn (NM_201379.3); c.3558G>C, p.Lys1186Asn (NM_201380.4); c.3051G>C, p.Lys1017Asn (NM_201381.3); c.3147G>C, p.Lys1049Asn (NM_201382.4); c.3159G>C, p.Lys1053Asn (NM_201383.3); short protein forms K1035N, K1017N, K1049N, K1076N, K1053N, K1186N, K1027N.
Identifiers: ClinVar variation 2950004 (VCV002950004.3), dbSNP rs1554710457, ClinGen allele CA372568911.